The following is an entry in ClinVar:

ClinVar aggregate classification (germline): Uncertain significance (1 of 4 stars; one submission).

Conditions:
Emery-Dreifuss muscular dystrophy 5, autosomal dominant (EDMD5). Also called: EMERY-DREIFUSS MUSCULAR DYSTROPHY 5. Identifiers: Orphanet 261, MedGen C2751805, MONDO:0013072, OMIM 612999.

Allele frequency attached by ClinVar (database versions not stated): gnomAD 0.00001; TOPMed 0.00001.
gnomAD v4.1: 1 of 1,613,992 alleles (0.000062%); highest among the groups gnomAD compares: African/African-American, 0.0013%; no homozygotes.

Submission:

Labcorp Genetics (formerly Invitae), Labcorp
Classification: Uncertain significance for Emery-Dreifuss muscular dystrophy 5, autosomal dominant. Last evaluated: 2021-03-22. Review status: criteria provided, single submitter. Criteria: Invitae Variant Classification Sherloc (09022015). Collection method: clinical testing. Allele origin: germline.
Comment: In summary, the available evidence is currently insufficient to determine the role of this variant in disease. Therefore, it has been classified as a Variant of Uncertain Significance. Algorithms developed to predict the effect of missense changes on protein structure and function output the following: SIFT: "Tolerated"; PolyPhen-2: "Benign"; Align-GVGD: "Class C0". The serine amino acid residue is found in multiple mammalian species, suggesting that this missense change does not adversely affect protein function. These predictions have not been confirmed by published functional studies and their clinical significance is uncertain. This variant has not been reported in the literature in individuals with SYNE2-related conditions. This variant is not present in population databases (ExAC no frequency). This sequence change replaces threonine with serine at codon 1459 of the SYNE2 protein (p.Thr1459Ser). The threonine residue is weakly conserved and there is a small physicochemical difference between threonine and serine.

NM_182914.3(SYNE2):c.4375A>T (p.Thr1459Ser)

Gene: SYNE2 (spectrin repeat containing nuclear envelope protein 2; plus strand). Cytogenetic location: 14q23.2.
Variant type: single nucleotide variant.
Coding change: c.4375A>T on transcript NM_182914.3 (MANE Select); coding-DNA position 4375, A replaced by T.
Protein change: p.Thr1459Ser; replaces threonine 1459 with serine.
Molecular consequence: missense variant.
Genome position (GRCh38, 1-based): chr14:64,003,308, A>T. VCF-style: chr14-64003308-A-T. GRCh37 (hg19) VCF-style: chr14-64470026-A-T.
Other names: c.4375A>T, p.Thr1459Ser (NM_015180.6); short protein forms T1459S.
Identifiers: ClinVar variation 1474250 (VCV001474250.8), dbSNP rs1482814444, ClinGen allele CA390000522.